The following is an entry in ClinVar:

NM_000834.5(GRIN2B):c.98_99dup (p.Ser34fs)

Gene: GRIN2B (glutamate ionotropic receptor NMDA type subunit 2B; minus strand). Cytogenetic location: 12p13.1.
Variant type: Duplication.
Coding change: c.98_99dup on transcript NM_000834.5 (MANE Select); coding-DNA positions 98 to 99, 2 bases duplicated (CC; older notation c.98_99dupCC).
Protein change: p.Ser34fs; shifts the reading frame from serine 34.
Molecular consequence: frameshift variant.
Genome position (GRCh38, 1-based): chr12:13,866,110-13,866,111, GG duplicated on the plus strand (CC on the coding strand, the reverse complement: GRIN2B is on the minus strand); duplicating any 2 consecutive bases within chr12:13,866,110-13,866,116 gives the same sequence; the c. name uses the placement nearest the transcript's 3' end. VCF-style (leftmost placement, unchanged base first): chr12-13866109-T-TGG. GRCh37 (hg19) VCF-style: chr12-14019043-T-TGG.
Other names: c.98_99dup, p.Ser34fs (NM_001413992.1, NM_001413993.1, NM_001413994.1 and 1 more transcripts); short protein forms S34fs.
Identifiers: ClinVar variation 3253216 (VCV003253216.1), dbSNP rs398122823.

ClinVar aggregate classification (germline): Pathogenic (1 of 4 stars; one submission).

Submission:

GeneDx
Classification: Pathogenic. Last evaluated: 2023-07-19. Review status: criteria provided, single submitter. Criteria: GeneDx Variant Classification Process June 2021. Collection method: clinical testing. Allele origin: germline. Affected: yes.
Comment: Frameshift variant predicted to result in protein truncation or nonsense mediated decay in a gene for which loss of function is a known mechanism of disease; Not observed at significant frequency in large population cohorts (gnomAD); Has not been previously published as pathogenic or benign to our knowledge